The following is an entry in ClinVar:

ClinVar aggregate classification (germline): Likely pathogenic (1 of 4 stars; one submission).

Conditions:
Charlevoix-Saguenay spastic ataxia (SACS). Also called: AUTOSOMAL RECESSIVE SPASTIC ATAXIA OF CHARLEVOIX-SAGUENAY; Spastic ataxia of Charlevoix-Saguenay; SPASTIC ATAXIA 6, AUTOSOMAL RECESSIVE. Identifiers: Orphanet 98, MedGen C1849140, MONDO:0010041, OMIM 270550.

Submission:

Natera, Inc.
Classification: Likely pathogenic for Charlevoix-Saguenay type spastic ataxia. Last evaluated: 2024-11-14. Review status: criteria provided, single submitter. Criteria: Natera Variant Classification Schema (03/2026). Collection method: clinical testing. Allele origin: germline.
Comment: The c.12508dupA variant in SACS is a frameshift variant predicted to shift the reading frame beginning at codon 4170 and leads to a stop codon 18 codons downstream. This variant is expected to result in nonsense mediated decay, truncation, or a dysfunctional protein product. This variant is rare in the general population with a frequency below the threshold expected for the associated phenotype(s). Given the available evidence, this variant is classified as Likely Pathogenic.

NM_014363.6(SACS):c.12508dup (p.Met4170fs)

Gene: SACS (sacsin molecular chaperone; minus strand). Cytogenetic location: 13q12.12.
Variant type: Duplication.
Coding change: c.12508dup on transcript NM_014363.6 (MANE Select); coding-DNA position 12508, one base duplicated (A; older notation c.12508dupA).
Protein change: p.Met4170fs; shifts the reading frame from methionine 4170.
Molecular consequence: frameshift variant.
Genome position (GRCh38, 1-based): chr13:23,331,368, T duplicated on the plus strand (A on the coding strand, the reverse complement: SACS is on the minus strand). VCF-style (leftmost placement, unchanged base first): chr13-23331367-A-AT. GRCh37 (hg19) VCF-style: chr13-23905506-A-AT.
Other names: c.12067dup, p.Met4023fs (NM_001278055.2); c.12535dup, p.Met4179fs (NM_001437336.1); short protein forms M4023fs, M4170fs, M4179fs.
Identifiers: ClinVar variation 4815678 (VCV004815678.1).